The following is an entry in ClinVar:

NM_000719.7(CACNA1C):c.5993C>A (p.Thr1998Asn)

Genes: CACNA1C-AS1 (CACNA1C antisense RNA 1; minus strand), CACNA1C (calcium voltage-gated channel subunit alpha1 C; plus strand). Cytogenetic location: 12p13.33.
Variant type: single nucleotide variant.
Coding change: c.5993C>A on transcript NM_000719.7 (MANE Select); coding-DNA position 5993, C replaced by A.
Protein change: p.Thr1998Asn; replaces threonine 1998 with asparagine.
Molecular consequence: missense variant.
Genome position (GRCh38, 1-based): chr12:2,688,655, C>A. VCF-style: chr12-2688655-C-A. GRCh37 (hg19) VCF-style: chr12-2797821-C-A.
Other names: c.6137C>A, p.Thr2046Asn (NM_001129827.2); c.6116C>A, p.Thr2039Asn (NM_001129829.2); c.6098C>A, p.Thr2033Asn (NM_001129830.3, NM_001167624.3); c.6077C>A, p.Thr2026Asn (NM_001129831.2); c.6053C>A, p.Thr2018Asn (NM_001129832.2); c.6050C>A, p.Thr2017Asn (NM_001129833.2, NM_001129834.2, NM_001129835.2); c.6044C>A, p.Thr2015Asn (NM_001129836.2); c.6017C>A, p.Thr2006Asn (NM_001129837.2, NM_001129838.2); and 6 more; short protein forms T1987N, T1995N, T1998N, T2004N, T2006N, T2015N, T2017N, T2018N.
Identifiers: ClinVar variation 998819 (VCV000998819.9), dbSNP rs771424529, ClinGen allele CA6390042.

ClinVar aggregate classification (germline): Uncertain significance (1 of 4 stars; one submission).

Conditions:
Long QT syndrome (LQTS). Identifiers: MedGen C0023976, MeSH D008133, MONDO:0002442. Disease mechanism: loss of function. Inheritance: Various modes of inheritance.

Allele frequency attached by ClinVar (database versions not stated): gnomAD exomes 0.00001 and 0.00002; TOPMed 0.00002; ExAC 0.00003; gnomAD 0.00003.

Submission:

Labcorp Genetics (formerly Invitae), Labcorp
Classification: Uncertain significance for Long QT syndrome. Last evaluated: 2025-10-19. Review status: criteria provided, single submitter. Criteria: Invitae Variant Classification Sherloc (09022015). Collection method: clinical testing. Allele origin: germline.
Comment: This sequence change replaces threonine, which is neutral and polar, with asparagine, which is neutral and polar, at codon 1998 of the CACNA1C protein (p.Thr1998Asn). This variant is present in population databases (rs771424529, gnomAD 0.004%). This variant has not been reported in the literature in individuals affected with CACNA1C-related conditions. ClinVar contains an entry for this variant (Variation ID: 998819). Invitae Evidence Modeling of protein sequence and biophysical properties (such as structural, functional, and spatial information, amino acid conservation, physicochemical variation, residue mobility, and thermodynamic stability) indicates that this missense variant is not expected to disrupt CACNA1C protein function with a negative predictive value of 95%. In summary, the available evidence is currently insufficient to determine the role of this variant in disease. Therefore, it has been classified as a Variant of Uncertain Significance.